The following is an entry in ClinVar:

ClinVar aggregate classification (germline): Likely benign (1 of 4 stars; one submission).

Allele frequency attached by ClinVar (database versions not stated): gnomAD exomes 0.00008; ExAC 0.00014; gnomAD 0.00033; ESP Exome Variant Server 0.00048; TOPMed 0.00059; 1000 Genomes Project 0.00106.
gnomAD v4.1: 120 of 1,203,521 alleles (0.01%); highest among the groups gnomAD compares: African/African-American, 0.11%; 3 homozygotes.

Submission:

CeGaT Center for Human Genetics Tuebingen
Classification: Likely benign. Last evaluated: 2022-04-01. Review status: criteria provided, single submitter. Criteria: CeGaT Center For Human Genetics Tuebingen Variant Classification Criteria Version 2. Collection method: clinical testing. Allele origin: germline. Affected: yes. Observed: 1 variant allele.
Comment: PAGE2: BP4, BP7

NM_207339.4(PAGE2):c.165T>C (p.Ile55=)

Gene: PAGE2 (PAGE family member 2; plus strand). Cytogenetic location: Xp11.21.
Variant type: single nucleotide variant.
Coding change: c.165T>C on transcript NM_207339.4 (MANE Select); coding-DNA position 165, T replaced by C.
Protein change: p.Ile55=; no amino-acid change (isoleucine 55 retained).
Molecular consequence: synonymous variant.
Genome position (GRCh38, 1-based): chrX:55,090,582, T>C. VCF-style: chrX-55090582-T-C. GRCh37 (hg19) VCF-style: chrX-55117015-T-C.
Identifiers: ClinVar variation 2660693 (VCV002660693.24), dbSNP rs141676628, ClinGen allele CA10428665.
Genomic context (GRCh38, chrX:55,090,582, plus strand): 5'-AAAACGTCAAGAAGAGGAACCACCAACTGATAATCAGGGTATTGCACCTAGTGGGGAGAT[T>C]GAAAATCAAGCAGTGCCTGCTTTTCAAGGTGAAGGGAGAGTGGAAAATAATGCTTATGGG-3'
Protein context (NP_997222.1, residues 45-65): DNQGIAPSGE[Ile55=]ENQAVPAFQG